The following is an entry in ClinVar:

ClinVar aggregate classification (germline): Conflicting classifications of pathogenicity. Review status: criteria provided, conflicting classifications (1 of 4 stars). 2 submissions from 2 submitters: Likely pathogenic (1); Uncertain significance (1). Last evaluated 2022-10-04.

Conditions:
NR2E3-related disorder. Also called: NR2E3-related condition; NR2E3-related disorders. Identifiers: MedGen CN239387.

Allele frequency attached by ClinVar (database versions not stated): gnomAD exomes below 0.00001.
gnomAD v4.1: 3 of 1,602,852 alleles (0.00019%); highest among the groups gnomAD compares: Non-Finnish European, 0.00026%; no homozygotes.

Submissions (2):

Labcorp Genetics (formerly Invitae), Labcorp
Classification: Uncertain significance. Last evaluated: 2022-10-04. Review status: criteria provided, single submitter. Criteria: Invitae Variant Classification Sherloc (09022015). Collection method: clinical testing. Allele origin: germline.
Comment: Experimental studies and prediction algorithms are not available or were not evaluated, and the functional significance of this variant is currently unknown. ClinVar contains an entry for this variant (Variation ID: 866483). This variant has not been reported in the literature in individuals affected with NR2E3-related conditions. This variant is not present in population databases (gnomAD no frequency). This sequence change replaces cysteine with tyrosine at codon 67 of the NR2E3 protein (p.Cys67Tyr). The cysteine residue is highly conserved and there is a large physicochemical difference between cysteine and tyrosine. In summary, the available evidence is currently insufficient to determine the role of this variant in disease. Therefore, it has been classified as a Variant of Uncertain Significance.

Blueprint Genetics
Classification: Likely pathogenic for NR2E3-related disorders. Last evaluated: 2020-08-25. Review status: criteria provided, single submitter. Criteria: ACMG Guidelines, 2015. Collection method: clinical testing. Allele origin: germline. Affected: yes. Observed: 2 variant alleles.

NM_014249.4(NR2E3):c.200G>A (p.Cys67Tyr)

Gene: NR2E3 (nuclear receptor subfamily 2 group E member 3; plus strand). Cytogenetic location: 15q23.
Variant type: single nucleotide variant.
Coding change: c.200G>A on transcript NM_014249.4 (MANE Select); coding-DNA position 200, G replaced by A.
Protein change: p.Cys67Tyr; replaces cysteine 67 with tyrosine.
Molecular consequence: missense variant.
Genome position (GRCh38, 1-based): chr15:71,811,564, G>A. VCF-style: chr15-71811564-G-A. GRCh37 (hg19) VCF-style: chr15-72103904-G-A.
Other names: c.200G>A, p.Cys67Tyr (NM_016346.4); short protein forms C67Y.
Identifiers: ClinVar variation 866483 (VCV000866483.8), dbSNP rs769900190, ClinGen allele CA272574844.
Genomic context (GRCh38, chr15:71,811,564, plus strand): 5'-GCCGCGTGTGCGGAGACAGCAGCAGCGGGAAGCACTATGGCATCTATGCCTGCAACGGCT[G>A]CAGCGGCTTCTTCAAGAGGAGCGTACGGCGGAGGCTCATCTACAGGTGAGTGCGGTGGGC-3'
Protein context (NP_055064.1, residues 57-77): KHYGIYACNG[Cys67Tyr]SGFFKRSVRR